The following is an entry in ClinVar:

ClinVar aggregate classification (germline): Uncertain significance (1 of 4 stars; one submission).

Submission:

Labcorp Genetics (formerly Invitae), Labcorp
Classification: Uncertain significance. Last evaluated: 2025-08-03. Review status: criteria provided, single submitter. Criteria: Invitae Variant Classification Sherloc (09022015). Collection method: clinical testing. Allele origin: germline.
Comment: This sequence change replaces leucine, which is neutral and non-polar, with glutamine, which is neutral and polar, at codon 327 of the MECOM protein (p.Leu327Gln). This variant is not present in population databases (gnomAD no frequency). This variant has not been reported in the literature in individuals affected with MECOM-related conditions. An algorithm developed to predict the effect of missense changes on protein structure and function (PolyPhen-2) suggests that this variant is likely to be disruptive. In summary, the available evidence is currently insufficient to determine the role of this variant in disease. Therefore, it has been classified as a Variant of Uncertain Significance.

NM_004991.4(MECOM):c.1544T>A (p.Leu515Gln)

Gene: MECOM (MDS1 and EVI1 complex locus; minus strand). Cytogenetic location: 3q26.2.
Variant type: single nucleotide variant.
Coding change: c.1544T>A on transcript NM_004991.4 (MANE Select); coding-DNA position 1544, T replaced by A.
Protein change: p.Leu515Gln; replaces leucine 515 with glutamine.
Molecular consequence: missense variant. On other transcripts: intron variant (2).
Genome position (GRCh38, 1-based): chr3:169,116,328, A>T on the plus strand (T>A on the coding strand, the complement: MECOM is on the minus strand). VCF-style: chr3-169116328-A-T. GRCh37 (hg19) VCF-style: chr3-168834116-A-T.
Other names: c.1175T>A, p.Leu392Gln (NM_001105077.4); c.980T>A, p.Leu327Gln (NM_001105078.4, NM_001164000.2, NM_001205194.2 and 4 more transcripts); c.983T>A, p.Leu328Gln (NM_001163999.2, NM_001366467.2, NM_001366468.2 and 1 more transcripts); c.1544T>A, p.Leu515Gln (NM_001366466.2); c.1133-561T>A (NM_001366473.2); c.569-561T>A (NM_001366474.2); short protein forms L327Q, L328Q, L392Q, L515Q.
Identifiers: ClinVar variation 4724744 (VCV004724744.1).
Genomic context (GRCh38, chr3:169,116,328, plus strand): 5'-AGTATCTGAGGATGTGTCATGAGGGGACTTTGACTTTTGTTTGTCTGTTCAGTACTTGAT[A>T]GTCCTTTAACAGGAGAACTAGCAGGTATCAAAGGAGGCCTGTGGTACAAGCCGGAAGGAA-3'
Protein context (NP_004982.2, residues 505-525): LIPASSPVKG[Leu515Gln]SSTEQTNKSQ